The following is an entry in ClinVar:

ClinVar aggregate classification (germline): Uncertain significance. Review status: criteria provided, multiple submitters, no conflicts (2 of 4 stars). 8 submissions from 8 submitters: Uncertain significance (7). 1 of the submissions does not count toward it. Last evaluated 2026-01-14.

Conditions:
CFTR-related disorder (CFTR-RD). Also called: CFTR-related disorders; CFTR-related condition. Identifiers: MedGen C5924204, MONDO:7770004.
Cystic fibrosis (CF). Also called: MUCOVISCIDOSIS. Identifiers: Orphanet 586, MedGen C0010674, MONDO:0009061, OMIM 219700. Disease mechanism: loss of function.

Allele frequency attached by ClinVar (database versions not stated): TOPMed 0.00001; gnomAD 0.00002.
gnomAD v4.1: 9 of 1,613,476 alleles (0.00056%); highest among the groups gnomAD compares: Admixed American, 0.013%; no homozygotes.

Submissions (8):

Labcorp Genetics (formerly Invitae), Labcorp
Classification: Uncertain significance for Cystic fibrosis. Last evaluated: 2026-01-14. Review status: criteria provided, single submitter. Criteria: Invitae Variant Classification Sherloc (09022015). Collection method: clinical testing. Allele origin: germline.
Comment: This sequence change replaces valine, which is neutral and non-polar, with glutamic acid, which is acidic and polar, at codon 1272 of the CFTR protein (p.Val1272Glu). This variant is present in population databases (no rsID available, gnomAD 0.006%). This variant has not been reported in the literature in individuals affected with CFTR-related conditions. ClinVar contains an entry for this variant (Variation ID: 195732). Invitae Evidence Modeling of protein sequence and biophysical properties (such as structural, functional, and spatial information, amino acid conservation, physicochemical variation, residue mobility, and thermodynamic stability) indicates that this missense variant is not expected to disrupt CFTR protein function with a negative predictive value of 80%. Algorithms developed to predict the effect of sequence changes on RNA splicing suggest that this variant may disrupt the consensus splice site. In summary, the available evidence is currently insufficient to determine the role of this variant in disease. Therefore, it has been classified as a Variant of Uncertain Significance.

Mayo Clinic Laboratories, Mayo Clinic
Classification: Uncertain significance. Last evaluated: 2024-04-24. Review status: criteria provided, single submitter. Criteria: ACMG Guidelines, 2015. Collection method: clinical testing. Allele origin: germline. Observed: 1 variant allele.
Comment: PP3, PM2_moderate

Ambry Genetics
Classification: Uncertain significance for Cystic fibrosis. Last evaluated: 2024-03-27. Review status: criteria provided, single submitter. Criteria: Ambry Variant Classification Scheme 2023. Collection method: clinical testing. Allele origin: germline.
Comment: The p.V1272E variant (also known as c.3815T>A), located in coding exon 23 of the CFTR gene, results from a T to A substitution at nucleotide position 3815. The valine at codon 1272 is replaced by glutamic acid, an amino acid with dissimilar properties. This amino acid position is well conserved in available vertebrate species. In addition, this alteration is predicted to be deleterious by in silico analysis. Based on the available evidence, the clinical significance of this alteration remains unclear.

Genome-Nilou Lab
Classification: Uncertain significance for Cystic fibrosis. Last evaluated: 2021-09-05. Review status: criteria provided, single submitter. Criteria: ACMG Guidelines, 2015. Collection method: clinical testing. Allele origin: germline. Affected: no.

ARUP Laboratories, Molecular Genetics and Genomics, ARUP Laboratories
Classification: Uncertain significance. Last evaluated: 2018-05-18. Review status: criteria provided, single submitter. Criteria: ARUP Molecular Germline Variant Investigation Process. Collection method: clinical testing. Allele origin: germline.
Comment: The CFTR c.3815T>A; p.Val1272Glu variant (rs752834717), to our knowledge, is not reported in the medical literature but is reported in ClinVar (Variation ID: 195732). This variant is found in the general Latino population with an allele frequency of 0.006% (2/33500 alleles) in the Genome Aggregation Database. The valine at codon 1272 is highly conserved, but computational analyses (SIFT: Tolerated, PolyPhen-2: Probably Damaging) predict conflicting effects of this variant on protein structure/function. Due to limited information, the clinical significance of the p.Val1272Glu variant is uncertain at this time.

Women's Health and Genetics/Laboratory Corporation of America, LabCorp
Classification: Uncertain significance. Last evaluated: 2017-04-04. Review status: criteria provided, single submitter. Criteria: LabCorp Variant Classification Summary - May 2015. Collection method: clinical testing. Allele origin: germline.
Comment: Variant summary: The CFTR c.3815T>A (p.Val1272Glu) variant involves the alteration of a conserved nucleotide located in the P-loop containing nucleoside triphosphate hydrolase domain and the ABC transporter-like domain (InterPro).4/5 in silico tools predict a damaging outcome for this variant. This variant is absent in 120940 control chromosomes. One reputable clinical diagnostic laboratory/reputable database has classified this variant as uncertain significance. The variant of interest has not, to our knowledge, been reported in affected individuals via publications nor evaluated for functional impact by in vivo/vitro studies. Because of the absence of clinical information and the lack of functional studies, the variant is classified as a variant of uncertain significance (VUS) until additional information becomes available.

Eurofins Ntd Llc (ga)
Classification: Uncertain significance. Last evaluated: 2015-04-23. Review status: criteria provided, single submitter. Criteria: EGL Classification Definitions 2015. Collection method: clinical testing. Allele origin: germline. Observed: 1 variant allele, 1 heterozygote.

Natera, Inc.
Classification: Uncertain significance for CFTR-related disorders. Last evaluated: 2018-08-31. Review status: no assertion criteria provided. Collection method: clinical testing. Allele origin: germline. Not counted in ClinVar's aggregate classification.

NM_000492.4(CFTR):c.3815T>A (p.Val1272Glu)

Genes: CFTR (CF transmembrane conductance regulator; plus strand), CFTR-AS2 (CFTR antisense RNA 2; minus strand). Cytogenetic location: 7q31.2.
Variant type: single nucleotide variant.
Coding change: c.3815T>A on transcript NM_000492.4 (MANE Select); coding-DNA position 3815, T replaced by A.
Protein change: p.Val1272Glu; replaces valine 1272 with glutamic acid.
Molecular consequence: missense variant.
Genome position (GRCh38, 1-based): chr7:117,642,535, T>A. VCF-style: chr7-117642535-T-A. GRCh37 (hg19) VCF-style: chr7-117282589-T-A.
Other names: short protein forms V1272E.
Identifiers: ClinVar variation 195732 (VCV000195732.21), dbSNP rs752834717, ClinGen allele CA242298.